The following is an entry in ClinVar:

ClinVar aggregate classification (germline): Benign. Review status: criteria provided, multiple submitters, no conflicts (2 of 4 stars). 2 submissions from 2 submitters: Benign (2). Last evaluated 2016-03-29.

Allele frequency attached by ClinVar (database versions not stated): 1000 Genomes Project 30x 0.03154; ESP Exome Variant Server 0.04459; gnomAD exomes 0.04862 and 0.05948; gnomAD 0.04578 and 0.04599; 1000 Genomes Project 0.03175; TOPMed 0.04209; ExAC 0.04809.
gnomAD v4.1: 93,514 of 1,613,792 alleles (5.8%); highest among the groups gnomAD compares: Non-Finnish European, 6.6%; 3,127 homozygotes.

Submissions (2):

Laboratory for Molecular Medicine, Mass General Brigham Personalized Medicine
Classification: Benign. Last evaluated: 2016-03-29. Review status: criteria provided, single submitter. Criteria: LMM Criteria. Collection method: clinical testing. Allele origin: germline.
Comment: Variant identified in a genome or exome case(s) and assessed due to predicted null impact of the variant or pathogenic assertions in the literature or databases. Disclaimer: This variant has not undergone full assessment. The following are preliminary notes: MAF

Breakthrough Genomics
Classification: Benign. Review status: criteria provided, single submitter. Criteria: ACMG Guidelines, 2015. Collection method: not provided. Allele origin: germline. Inheritance: Unknown mechanism. Affected: yes.

NC_000012.12:g.56339747G>A

Genes: IL23A (interleukin 23 subunit alpha; plus strand), STAT2 (signal transducer and activator of transcription 2; minus strand), LOC132090128 (Neanderthal introgressed variant-containing enhancer experimental_29688; plus strand). Cytogenetic location: 12q13.3.
Variant type: single nucleotide variant.
Molecular consequence: synonymous variant (on NM_016584.3).
Genome position: GRCh38 VCF-style: chr12-56339747-G-A. GRCh37 (hg19) VCF-style: chr12-56733531-G-A.
Other names: c.318G>A, p.Ser106= (NM_016584.3).
Identifiers: ClinVar variation 403490 (VCV000403490.6), dbSNP rs11171806, ClinGen allele CA6630149.